The following is an entry in ClinVar:

ClinVar aggregate classification (germline): Uncertain significance (1 of 4 stars; one submission).

Conditions:
Inborn genetic diseases. Identifiers: MedGen C0950123, MeSH D030342.

Submission:

Ambry Genetics
Classification: Uncertain significance for Inborn genetic diseases. Last evaluated: 2022-11-20. Review status: criteria provided, single submitter. Criteria: Ambry Variant Classification Scheme 2023. Collection method: clinical testing. Allele origin: germline.
Comment: The p.A436E variant (also known as c.1307C>A), located in coding exon 10 of the BUB1B gene, results from a C to A substitution at nucleotide position 1307. The alanine at codon 436 is replaced by glutamic acid, an amino acid with dissimilar properties. This amino acid position is conserved. In addition, this alteration is predicted to be tolerated by in silico analysis. Since supporting evidence is limited at this time, the clinical significance of this alteration remains unclear.

NM_001211.6(BUB1B):c.1307C>A (p.Ala436Glu)

Gene: BUB1B (BUB1 mitotic checkpoint serine/threonine kinase B; plus strand). Cytogenetic location: 15q15.1.
Variant type: single nucleotide variant.
Coding change: c.1307C>A on transcript NM_001211.6 (MANE Select); coding-DNA position 1307, C replaced by A.
Protein change: p.Ala436Glu; replaces alanine 436 with glutamic acid.
Molecular consequence: missense variant.
Genome position (GRCh38, 1-based): chr15:40,199,633, C>A. VCF-style: chr15-40199633-C-A. GRCh37 (hg19) VCF-style: chr15-40491834-C-A.
Other names: short protein forms A436E.
Identifiers: ClinVar variation 3221343 (VCV003221343.1), dbSNP rs2542554781, ClinGen allele CA391688611.